The following is an entry in ClinVar:

ClinVar aggregate classification (germline): Pathogenic/Likely pathogenic. Review status: criteria provided, multiple submitters, no conflicts (2 of 4 stars). 3 submissions from 3 submitters: Pathogenic (2); Likely pathogenic (1). Last evaluated 2025-07-27.

Conditions:
Multiple endocrine neoplasia, type 2 (MEN2). Identifiers: Orphanet 653, MedGen C4048306, MONDO:0019003. Disease mechanism: gain of function.
Hereditary cancer-predisposing syndrome. Also called: Neoplastic Syndromes, Hereditary; Tumor predisposition; Hereditary Cancer Syndrome; Hereditary neoplastic syndrome. Identifiers: Orphanet 140162, MedGen C0027672, MeSH D009386, MONDO:0015356.

Submissions (3):

Labcorp Genetics (formerly Invitae), Labcorp
Classification: Pathogenic for Multiple endocrine neoplasia, type 2. Last evaluated: 2025-07-27. Review status: criteria provided, single submitter. Criteria: Invitae Variant Classification Sherloc (09022015). Collection method: clinical testing. Allele origin: germline.
Comment: This sequence change replaces cysteine, which is neutral and slightly polar, with serine, which is neutral and polar, at codon 611 of the RET protein (p.Cys611Ser). This variant is not present in population databases (gnomAD no frequency). This missense change has been observed in individuals with multiple endocrine neoplasia type 2 (PMID: 8807338, 12734540). It has also been observed to segregate with disease in related individuals. ClinVar contains an entry for this variant (Variation ID: 1780971). An algorithm developed to predict the effect of missense changes on protein structure and function (PolyPhen-2) suggests that this variant is likely to be disruptive. This variant disrupts the p.Cys611 amino acid residue in RET. Other variant(s) that disrupt this residue have been determined to be pathogenic (PMID: 8626834, 11331212, 20979234). This suggests that this residue is clinically significant, and that variants that disrupt this residue are likely to be disease-causing. For these reasons, this variant has been classified as Pathogenic.

Mayo Clinic Laboratories, Mayo Clinic
Classification: Likely pathogenic. Last evaluated: 2022-05-25. Review status: criteria provided, single submitter. Criteria: ACMG Guidelines, 2015. Collection method: clinical testing. Allele origin: germline. Observed: 1 variant allele.
Comment: PP3, PP4, PM1, PM2, PM5

Ambry Genetics
Classification: Pathogenic for Hereditary cancer-predisposing syndrome. Last evaluated: 2022-03-02. Review status: criteria provided, single submitter. Criteria: Ambry Variant Classification Scheme 2023. Collection method: clinical testing. Allele origin: germline.
Comment: The p.C611S pathogenic mutation (also known as c.1831T>A), located in coding exon 10 of the RET gene, results from a T to A substitution at nucleotide position 1831. The cysteine at codon 611 is replaced by serine, an amino acid with dissimilar properties. Multiple mutations at codon 611 have been associated with Hirschprung Disease (HSCR), Multiple Endocrine Neoplasia Type 2A (MEN2A), and Familial Medullary Thyroid Cancer (FMTC). The American Thyroid Association Guidelines Task Force has provided recommendations for individuals with RET gene mutations (Kloos et al. Thyroid. 2009 June; 19(6):565-612). Based on the supporting evidence, this alteration is interpreted as a disease-causing mutation.

Literature cited by the submitters: PubMed 8807338 (cited by Labcorp Genetics (formerly Invitae), Labcorp and Ambry Genetics); PubMed 12734540 (cited by Labcorp Genetics (formerly Invitae), Labcorp and Ambry Genetics); PubMed 8626834 (cited by Labcorp Genetics (formerly Invitae), Labcorp); PubMed 11331212 (cited by Labcorp Genetics (formerly Invitae), Labcorp); PubMed 20979234 (cited by Labcorp Genetics (formerly Invitae), Labcorp); PubMed 21479187 (cited by Ambry Genetics).

NM_020975.6(RET):c.1831T>A (p.Cys611Ser)

Gene: RET (ret proto-oncogene; plus strand). Cytogenetic location: 10q11.21.
Variant type: single nucleotide variant.
Coding change: c.1831T>A on transcript NM_020975.6 (MANE Select); coding-DNA position 1831, T replaced by A.
Protein change: p.Cys611Ser; replaces cysteine 611 with serine.
Molecular consequence: missense variant.
Genome position (GRCh38, 1-based): chr10:43,113,627, T>A. VCF-style: chr10-43113627-T-A. GRCh37 (hg19) VCF-style: chr10-43609075-T-A.
Other names: c.1831T>A, p.Cys611Ser (NM_000323.2, NM_001406743.1, NM_001406744.1 and 6 more transcripts); c.1069T>A, p.Cys357Ser (NM_001355216.2); c.1702T>A, p.Cys568Ser (NM_001406761.1, NM_001406762.1, NM_001406764.1 and 1 more transcripts); c.1543T>A, p.Cys515Ser (NM_001406766.1, NM_001406767.1, NM_001406770.1); c.1435T>A, p.Cys479Ser (NM_001406769.1, NM_001406772.1); c.1393T>A, p.Cys465Ser (NM_001406771.1, NM_001406773.1); c.1306T>A, p.Cys436Ser (NM_001406774.1); c.1105T>A, p.Cys369Ser (NM_001406775.1, NM_001406776.1, NM_001406777.1 and 1 more transcripts); and 5 more; short protein forms C611S, C357S, C281S, C312S, C436S, C479S, C515S, C568S.
Identifiers: ClinVar variation 1780971 (VCV001780971.6), dbSNP rs377767391, ClinGen allele CA007864.
Genomic context (GRCh38, chr10:43,113,627, plus strand): 5'-GTTGGGGGACACGAGCCTGGGGAGCCCCGGGGGATTAAAGCTGGCTATGGCACCTGCAAC[T>A]GCTTCCCTGAGGAGGAGAAGTGCTTCTGCGAGCCCGAAGACATCCAGGGTGAGTGGGTGG-3'
Protein context (NP_066124.1, residues 601-621): GIKAGYGTCN[Cys611Ser]FPEEEKCFCE